The following is an entry in ClinVar:

NM_000093.5(COL5A1):c.3791G>T (p.Gly1264Val)

Gene: COL5A1 (collagen type V alpha 1 chain; plus strand). Cytogenetic location: 9q34.3.
Variant type: single nucleotide variant.
Coding change: c.3791G>T on transcript NM_000093.5 (MANE Select); coding-DNA position 3791, G replaced by T.
Protein change: p.Gly1264Val; replaces glycine 1264 with valine.
Molecular consequence: missense variant.
Genome position (GRCh38, 1-based): chr9:134,812,651, G>T. VCF-style: chr9-134812651-G-T. GRCh37 (hg19) VCF-style: chr9-137704497-G-T.
Other names: c.3791G>T, p.Gly1264Val (NM_001278074.1); short protein forms G1264V.
Identifiers: ClinVar variation 4746352 (VCV004746352.1).
Genomic context (GRCh38, chr9:134,812,651, plus strand): 5'-CTCCCTTTTCCTAGGGCCCCCCGGGTCCCCCTGGCCCCCGAGGACCCTCCGGAGCTCCAG[G>T]TGCTGATGGCCCACAAGGTCCCCCAGGTGGAATAGGAAACCCTGGTGCAGTGGGAGAGAA-3'
Protein context (NP_000084.3, residues 1254-1274): PGPRGPSGAP[Gly1264Val]ADGPQGPPGG

ClinVar aggregate classification (germline): Uncertain significance (1 of 4 stars; one submission).

Conditions:
Ehlers-Danlos syndrome, classic type, 1 (EDSCL1). Also called: EHLERS-DANLOS SYNDROME, GRAVIS TYPE; EHLERS-DANLOS SYNDROME, SEVERE CLASSIC TYPE; Ehlers-Danlos syndrome, type 1; Ehlers-Danlos Syndrome, Classic Type, COL5A1-Related; EDS I. Identifiers: MedGen C0268335, MONDO:0019567, OMIM 130000.

Submission:

Labcorp Genetics (formerly Invitae), Labcorp
Classification: Uncertain significance for Ehlers-Danlos syndrome, classic type, 1. Last evaluated: 2025-11-05. Review status: criteria provided, single submitter. Criteria: Invitae Variant Classification Sherloc (09022015). Collection method: clinical testing. Allele origin: germline.
Comment: This sequence change replaces glycine, which is neutral and non-polar, with valine, which is neutral and non-polar, at codon 1264 of the COL5A1 protein (p.Gly1264Val). This variant is not present in population databases (gnomAD no frequency). This missense change has been observed in individual(s) with Ehlers-Danlos syndrome (internal data). Invitae Evidence Modeling of protein sequence and biophysical properties (such as structural, functional, and spatial information, amino acid conservation, physicochemical variation, residue mobility, and thermodynamic stability) indicates that this missense variant is expected to disrupt COL5A1 protein function with a positive predictive value of 95%. This variant disrupts the triple helix domain of COL5A1. Glycine residues within the Gly-Xaa-Yaa repeats of the triple helix domain are required for the structure and stability of fibrillar collagens (PMID: 7695699, 8218237, 19344236), and variants at these glycine residues in COL5A1 are more frequently observed in individuals with disease than in the general population (PMID: 22696272, 23587214). However, the clinical significance of this observation remains uncertain since only a limited number of affected individuals have been described to date. In summary, the available evidence is currently insufficient to determine the role of this variant in disease. Therefore, it has been classified as a Variant of Uncertain Significance.

Literature cited by the submitters: PubMed 7695699; PubMed 8218237; PubMed 19344236; PubMed 22696272; PubMed 23587214.